The following is an entry in ClinVar:

NM_014000.3(VCL):c.142C>G (p.Gln48Glu)

Gene: VCL (vinculin; plus strand). Cytogenetic location: 10q22.2.
Variant type: single nucleotide variant.
Coding change: c.142C>G on transcript NM_014000.3 (MANE Select); coding-DNA position 142, C replaced by G.
Protein change: p.Gln48Glu; replaces glutamine 48 with glutamic acid.
Molecular consequence: missense variant.
Genome position (GRCh38, 1-based): chr10:73,998,349, C>G. VCF-style: chr10-73998349-C-G. GRCh37 (hg19) VCF-style: chr10-75758107-C-G.
Other names: c.142C>G, p.Gln48Glu (NM_003373.4); short protein forms Q48E.
Identifiers: ClinVar variation 2478217 (VCV002478217.3), dbSNP rs1431682297, ClinGen allele CA377255411.
Genomic context (GRCh38, chr10:73,998,349, plus strand): 5'-GAGGAGGGCGAGGTGGACGGCAAAGCCATTCCTGACCTCACCGCGCCCGTGGCCGCCGTG[C>G]AGGCGGCCGTCAGCAACCTCGTCCGGGTGAGCGCGCAGGGCCTGGCGCGGGAGCGGGCGC-3'
Protein context (NP_054706.1, residues 38-58): PDLTAPVAAV[Gln48Glu]AAVSNLVRVG

ClinVar aggregate classification (germline): Uncertain significance. Review status: criteria provided, multiple submitters, no conflicts (2 of 4 stars). 2 submissions from 2 submitters: Uncertain significance (2). Last evaluated 2025-03-30.

Conditions:
Cardiovascular phenotype. Identifiers: MedGen CN230736.
Dilated cardiomyopathy 1W (CMD1W). Identifiers: Orphanet 154, MedGen C1969639, MONDO:0012667, OMIM 611407.

gnomAD v4.1: 3 of 1,548,392 alleles (0.00019%); highest among the groups gnomAD compares: Non-Finnish European, 0.000087%; no homozygotes.

Submissions (2):

Labcorp Genetics (formerly Invitae), Labcorp
Classification: Uncertain significance for Dilated cardiomyopathy 1W. Last evaluated: 2025-03-30. Review status: criteria provided, single submitter. Criteria: Invitae Variant Classification Sherloc (09022015). Collection method: clinical testing. Allele origin: germline.
Comment: This sequence change replaces glutamine, which is neutral and polar, with glutamic acid, which is acidic and polar, at codon 48 of the VCL protein (p.Gln48Glu). The frequency data for this variant in the population databases is considered unreliable, as metrics indicate poor data quality at this position in the gnomAD database. This variant has not been reported in the literature in individuals affected with VCL-related conditions. ClinVar contains an entry for this variant (Variation ID: 2478217). An algorithm developed to predict the effect of missense changes on protein structure and function (PolyPhen-2) suggests that this variant is likely to be disruptive. In summary, the available evidence is currently insufficient to determine the role of this variant in disease. Therefore, it has been classified as a Variant of Uncertain Significance.

Ambry Genetics
Classification: Uncertain significance for Cardiovascular phenotype. Last evaluated: 2023-01-23. Review status: criteria provided, single submitter. Criteria: Ambry Variant Classification Scheme 2023. Collection method: clinical testing. Allele origin: germline.